The following is an entry in ClinVar:

ClinVar aggregate classification (germline): Likely benign. Review status: criteria provided, multiple submitters, no conflicts (2 of 4 stars). 3 submissions from 3 submitters: Likely benign (3). Last evaluated 2025-11-22.

Conditions:
Aortic aneurysm, familial thoracic 7 (AAT7). Also called: AORTIC DISSECTION, FAMILIAL, WITH OR WITHOUT AORTIC ANEURYSM. Identifiers: MedGen C3151077, MONDO:0013418, OMIM 613780.
Familial thoracic aortic aneurysm and aortic dissection (TAAD). Also called: Thoracic aortic aneurysms and dissections. Identifiers: Orphanet 91387, MedGen C4707243, MONDO:0019625.

Allele frequency attached by ClinVar (database versions not stated): TOPMed 0.00001; 1000 Genomes Project 30x 0.00016; 1000 Genomes Project 0.00020.
gnomAD v4.1: 23 of 1,614,122 alleles (0.0014%); highest among the groups gnomAD compares: East Asian, 0.0022%; no homozygotes.

Submissions (3):

Ambry Genetics
Classification: Likely benign for Familial thoracic aortic aneurysm and aortic dissection. Last evaluated: 2025-11-22. Review status: criteria provided, single submitter. Criteria: Ambry Variant Classification Scheme 2023. Collection method: clinical testing. Allele origin: germline.

Labcorp Genetics (formerly Invitae), Labcorp
Classification: Likely benign for Aortic aneurysm, familial thoracic 7. Last evaluated: 2025-08-04. Review status: criteria provided, single submitter. Criteria: Invitae Variant Classification Sherloc (09022015). Collection method: clinical testing. Allele origin: germline.

GeneDx
Classification: Likely benign. Last evaluated: 2017-03-14. Review status: criteria provided, single submitter. Criteria: GeneDx Variant Classification (06012015). Collection method: clinical testing. Allele origin: germline. Affected: yes.
Comment: This variant is considered likely benign or benign based on one or more of the following criteria: it is a conservative change, it occurs at a poorly conserved position in the protein, it is predicted to be benign by multiple in silico algorithms, and/or has population frequency not consistent with disease.

NM_053025.4(MYLK):c.2739C>T (p.Asp913=)

Gene: MYLK (myosin light chain kinase; minus strand). Cytogenetic location: 3q21.1.
Variant type: single nucleotide variant.
Coding change: c.2739C>T on transcript NM_053025.4 (MANE Select); coding-DNA position 2739, C replaced by T.
Protein change: p.Asp913=; no amino-acid change (aspartic acid 913 retained).
Molecular consequence: synonymous variant.
Genome position (GRCh38, 1-based): chr3:123,700,729, G>A on the plus strand (C>T on the coding strand, the complement: MYLK is on the minus strand). VCF-style: chr3-123700729-G-A. GRCh37 (hg19) VCF-style: chr3-123419576-G-A.
Other names: c.2739C>T, p.Asp913= (NM_053027.4); c.2532C>T, p.Asp844= (NM_053028.4, NM_053026.4); c.2211C>T, p.Asp737= (NM_001321309.2).
Identifiers: ClinVar variation 507956 (VCV000507956.11), dbSNP rs530064548, ClinGen allele CA068951.